The following is an entry in ClinVar:

ClinVar aggregate classification (germline): Pathogenic (1 of 4 stars; one submission).

Conditions:
Neuronal ceroid lipofuscinosis. Also called: Neuronal Ceroid Lipofuscinoses. Identifiers: Orphanet 216, Orphanet 79263, MedGen C0027877, MONDO:0016295. Disease mechanism: loss of function.

Submission:

Labcorp Genetics (formerly Invitae), Labcorp
Classification: Pathogenic for Neuronal ceroid lipofuscinosis. Last evaluated: 2023-05-22. Review status: criteria provided, single submitter. Criteria: Invitae Variant Classification Sherloc (09022015). Collection method: clinical testing. Allele origin: unknown.
Comment: For these reasons, this variant has been classified as Pathogenic. This variant has not been reported in the literature in individuals affected with CLN3-related conditions. This variant is a gross deletion of the genomic region encompassing exon(s) 5-9 of the CLN3 gene. This deletion is out-of-frame, and is expected to create a premature termination codon and result in an absent or disrupted protein product. Loss-of-function variants in CLN3 are known to be pathogenic (PMID: 9311735, 28542676).

Literature cited by the submitters: PubMed 9311735; PubMed 28542676.

NC_000016.9:g.(?_28495875)_(28499994_?)del

Gene: CLN3 (CLN3 lysosomal/endosomal transmembrane protein, battenin; minus strand). Cytogenetic location: 16p11.2.
Variant type: Deletion.
Identifiers: ClinVar variation 3243307 (VCV003243307.1).